The following is an entry in ClinVar:

ClinVar aggregate classification (germline): Uncertain significance. Review status: criteria provided, multiple submitters, no conflicts (2 of 4 stars). 2 submissions from 2 submitters: Uncertain significance (2). Last evaluated 2025-06-10.

Conditions:
Inborn genetic diseases. Identifiers: MedGen C0950123, MeSH D030342.

Submissions (2):

Ambry Genetics
Classification: Uncertain significance for Inborn genetic diseases. Last evaluated: 2025-06-10. Review status: criteria provided, single submitter. Criteria: Ambry Variant Classification Scheme 2023. Collection method: clinical testing. Allele origin: germline.

Labcorp Genetics (formerly Invitae), Labcorp
Classification: Uncertain significance. Last evaluated: 2024-06-10. Review status: criteria provided, single submitter. Criteria: Invitae Variant Classification Sherloc (09022015). Collection method: clinical testing. Allele origin: germline.
Comment: This sequence change replaces alanine, which is neutral and non-polar, with threonine, which is neutral and polar, at codon 182 of the RP1 protein (p.Ala182Thr). This variant is not present in population databases (gnomAD no frequency). This variant has not been reported in the literature in individuals affected with RP1-related conditions. Algorithms developed to predict the effect of missense changes on protein structure and function output the following: SIFT: "Not Available"; PolyPhen-2: "Possibly Damaging"; Align-GVGD: "Not Available". The threonine amino acid residue is found in multiple mammalian species, which suggests that this missense change does not adversely affect protein function. In summary, the available evidence is currently insufficient to determine the role of this variant in disease. Therefore, it has been classified as a Variant of Uncertain Significance.

NM_006269.2(RP1):c.544G>A (p.Ala182Thr)

Gene: RP1 (RP1 axonemal microtubule associated; plus strand). Cytogenetic location: 8q12.1.
Variant type: single nucleotide variant.
Coding change: c.544G>A on transcript NM_006269.2 (MANE Select); coding-DNA position 544, G replaced by A.
Protein change: p.Ala182Thr; replaces alanine 182 with threonine.
Molecular consequence: missense variant.
Genome position (GRCh38, 1-based): chr8:54,621,510, G>A. VCF-style: chr8-54621510-G-A. GRCh37 (hg19) VCF-style: chr8-55534070-G-A.
Other names: c.544G>A, p.Ala182Thr (NM_001375654.1); c.544G>A (NM_006269.1); short protein forms A182T.
Identifiers: ClinVar variation 3623927 (VCV003623927.3).